The following is an entry in ClinVar:

NM_000222.3(KIT):c.1732T>C (p.Tyr578His)

Gene: KIT (KIT proto-oncogene, receptor tyrosine kinase; plus strand). Cytogenetic location: 4q12.
Variant type: single nucleotide variant.
Coding change: c.1732T>C on transcript NM_000222.3 (MANE Select); coding-DNA position 1732, T replaced by C.
Protein change: p.Tyr578His; replaces tyrosine 578 with histidine.
Molecular consequence: missense variant.
Genome position (GRCh38, 1-based): chr4:54,727,500, T>C. VCF-style: chr4-54727500-T-C. GRCh37 (hg19) VCF-style: chr4-55593666-T-C.
Other names: c.1720T>C, p.Tyr574His (NM_001093772.2, NM_001385286.1); c.1735T>C, p.Tyr579His (NM_001385284.1, NM_001385290.1); c.1732T>C, p.Tyr578His (NM_001385285.1); c.1723T>C, p.Tyr575His (NM_001385288.1, NM_001385292.1); short protein forms Y574H, Y575H, Y578H, Y579H.
Identifiers: ClinVar variation 3230658 (VCV003230658.1), dbSNP rs2109777088, ClinGen allele CA356907586.

ClinVar aggregate classification (germline): Uncertain significance (1 of 4 stars; one submission).

Conditions:
Hereditary cancer-predisposing syndrome. Also called: Neoplastic Syndromes, Hereditary; Tumor predisposition; Hereditary neoplastic syndrome; Hereditary Cancer Syndrome. Identifiers: Orphanet 140162, MedGen C0027672, MeSH D009386, MONDO:0015356.

Submission:

Ambry Genetics
Classification: Uncertain significance for Hereditary cancer-predisposing syndrome. Last evaluated: 2023-12-08. Review status: criteria provided, single submitter. Criteria: Ambry Variant Classification Scheme 2023. Collection method: clinical testing. Allele origin: germline.
Comment: The p.Y578H variant (also known as c.1732T>C), located in coding exon 11 of the KIT gene, results from a T to C substitution at nucleotide position 1732. The tyrosine at codon 578 is replaced by histidine, an amino acid with similar properties. This amino acid position is conserved. In addition, this alteration is predicted to be deleterious by in silico analysis. Since supporting evidence is limited at this time, the clinical significance of this alteration remains unclear.